The following is an entry in ClinVar:

ClinVar aggregate classification (germline): Uncertain significance. Review status: criteria provided, multiple submitters, no conflicts (2 of 4 stars). 4 submissions from 3 submitters: Uncertain significance (4). Last evaluated 2024-12-16.

Conditions:
Senior-Loken syndrome 8 (SLSN8). Identifiers: Orphanet 3156, MedGen C4225376, MONDO:0014579, OMIM 616307.
Asphyxiating thoracic dystrophy 5 (SRTD5). Also called: SHORT-RIB THORACIC DYSPLASIA 5 WITH OR WITHOUT POLYDACTYLY; SHORT-RIB THORACIC DYSPLASIA 5 WITHOUT POLYDACTYLY. Identifiers: Orphanet 474, MedGen C3280598, MONDO:0013717, OMIM 614376.
Spermatogenic failure 72 (SPGF72). Identifiers: MedGen C5676980, MONDO:0030809, OMIM 619867.
Nephronophthisis 13 (NPHP13). Identifiers: Orphanet 655, MedGen C3280612, MONDO:0013718, OMIM 614377.
Cranioectodermal dysplasia 4 (CED4). Identifiers: Orphanet 1515, MedGen C3280616, MONDO:0013719, OMIM 614378.

Allele frequency attached by ClinVar (database versions not stated): TOPMed 0.00002; gnomAD exomes 0.00004 and 0.00008; gnomAD 0.00005 and 0.00006; ExAC 0.00006.

Submissions (4):

Labcorp Genetics (formerly Invitae), Labcorp
Classification: Uncertain significance for Senior-Loken syndrome 8; Asphyxiating thoracic dystrophy 5. Last evaluated: 2024-12-16. Review status: criteria provided, single submitter. Criteria: Invitae Variant Classification Sherloc (09022015). Collection method: clinical testing. Allele origin: germline.
Comment: This sequence change replaces alanine, which is neutral and non-polar, with threonine, which is neutral and polar, at codon 547 of the WDR19 protein (p.Ala547Thr). This variant is present in population databases (rs754631759, gnomAD 0.05%). This variant has not been reported in the literature in individuals affected with WDR19-related conditions. ClinVar contains an entry for this variant (Variation ID: 899680). Invitae Evidence Modeling of protein sequence and biophysical properties (such as structural, functional, and spatial information, amino acid conservation, physicochemical variation, residue mobility, and thermodynamic stability) indicates that this missense variant is not expected to disrupt WDR19 protein function with a negative predictive value of 80%. In summary, the available evidence is currently insufficient to determine the role of this variant in disease. Therefore, it has been classified as a Variant of Uncertain Significance.

Fulgent Genetics
Classification: Uncertain significance for Asphyxiating thoracic dystrophy 5; Nephronophthisis 13; Cranioectodermal dysplasia 4; Senior-Loken syndrome 8; Spermatogenic failure 72. Last evaluated: 2022-02-03. Review status: criteria provided, single submitter. Criteria: ACMG Guidelines, 2015. Collection method: clinical testing. Allele origin: unknown.

Illumina Laboratory Services, Illumina
Classification: Uncertain significance for Asphyxiating thoracic dystrophy 5. Last evaluated: 2018-01-13. Review status: criteria provided, single submitter. Criteria: ICSL Variant Classification Criteria 13 December 2019. Collection method: clinical testing. Allele origin: germline.

Illumina Laboratory Services, Illumina
Classification: Uncertain significance for Cranioectodermal dysplasia 4. Last evaluated: 2018-01-13. Review status: criteria provided, single submitter. Criteria: ICSL Variant Classification Criteria 13 December 2019. Collection method: clinical testing. Allele origin: germline.

NM_025132.4(WDR19):c.1639G>A (p.Ala547Thr)

Gene: WDR19 (WD repeat domain 19; plus strand). Cytogenetic location: 4p14.
Variant type: single nucleotide variant.
Coding change: c.1639G>A on transcript NM_025132.4 (MANE Select); coding-DNA position 1639, G replaced by A.
Protein change: p.Ala547Thr; replaces alanine 547 with threonine.
Molecular consequence: missense variant.
Genome position (GRCh38, 1-based): chr4:39,228,219, G>A. VCF-style: chr4-39228219-G-A. GRCh37 (hg19) VCF-style: chr4-39229839-G-A.
Other names: c.1159G>A, p.Ala387Thr (NM_001317924.2); short protein forms A387T, A547T.
Identifiers: ClinVar variation 899680 (VCV000899680.10), dbSNP rs754631759, ClinGen allele CA2891905.